The following is an entry in ClinVar:

NM_032242.4(PLXNA1):c.3015-4C>T

Gene: PLXNA1 (plexin A1; plus strand). Cytogenetic location: 3q21.3.
Variant type: single nucleotide variant.
Coding change: c.3015-4C>T on transcript NM_032242.4 (MANE Select); 4 bases into the intron before coding-DNA position 3015, C replaced by T.
Molecular consequence: intron variant.
Genome position (GRCh38, 1-based): chr3:127,016,513, C>T. VCF-style: chr3-127016513-C-T. GRCh37 (hg19) VCF-style: chr3-126735356-C-T.
Identifiers: ClinVar variation 4998530 (VCV004998530.1).
Genomic context (GRCh38, chr3:127,016,513, plus strand): 5'-TCTGCATTCCACCTGCCTGGGTTCCACCCGTGTGCTCCTCACTGTCCCACTCGGGCACCT[C>T]CAGGAGGAACTCCCGTGAGATCCGGTGCCTGACACCCCCCGGGCAGAGCCCTGGCAGCGC-3'

ClinVar aggregate classification (germline): Likely benign (1 of 4 stars; one submission).

Conditions:
PLXNA1-related disorder. Also called: PLXNA1-related condition.

gnomAD v4.1: 2 of 1,613,358 alleles (0.00012%); highest among the groups gnomAD compares: Non-Finnish European, 0.00017%; no homozygotes.

Submission:

PreventionGenetics, part of Exact Sciences
Classification: Likely benign for PLXNA1-related condition. Last evaluated: 2024-11-21. Review status: criteria provided, single submitter. Criteria: ACMG Guidelines, 2015. Collection method: clinical testing. Allele origin: germline.
Comment: This variant is classified as likely benign based on ACMG/AMP sequence variant interpretation guidelines (Richards et al. 2015 PMID: 25741868, with internal and published modifications).